The following is an entry in ClinVar:

ClinVar aggregate classification (germline): Likely benign (0 of 4 stars; one submission).

Conditions:
TECTA-related disorder. Also called: TECTA-related condition.

gnomAD v4.1: 7 of 1,614,060 alleles (0.00043%); highest among the groups gnomAD compares: Non-Finnish European, 0.00059%; no homozygotes.

Submission:

PreventionGenetics, part of Exact Sciences
Classification: Likely benign for TECTA-related condition. Last evaluated: 2019-11-26. Review status: no assertion criteria provided. Collection method: clinical testing. Allele origin: germline.
Comment: This variant is classified as likely benign based on ACMG/AMP sequence variant interpretation guidelines (Richards et al. 2015 PMID: 25741868, with internal and published modifications).

NM_005422.4(TECTA):c.199-5C>T

Genes: TBCEL-TECTA (TBCEL-TECTA readthrough; plus strand), TECTA (tectorin alpha; plus strand). Cytogenetic location: 11q23.3.
Variant type: single nucleotide variant.
Coding change: c.199-5C>T on transcript NM_005422.4 (MANE Select); 5 bases into the intron before coding-DNA position 199, C replaced by T.
Molecular consequence: intron variant.
Genome position (GRCh38, 1-based): chr11:121,109,206, C>T. VCF-style: chr11-121109206-C-T. GRCh37 (hg19) VCF-style: chr11-120979915-C-T.
Other names: c.1156-5C>T (NM_001378761.1).
Identifiers: ClinVar variation 3354034 (VCV003354034.1).